The following is an entry in ClinVar:

NM_004415.4(DSP):c.4293A>T (p.Gln1431His)

Gene: DSP (desmoplakin; plus strand). Cytogenetic location: 6p24.3.
Variant type: single nucleotide variant.
Coding change: c.4293A>T on transcript NM_004415.4 (MANE Select); coding-DNA position 4293, A replaced by T.
Protein change: p.Gln1431His; replaces glutamine 1431 with histidine.
Molecular consequence: missense variant. On other transcripts: intron variant (2).
Genome position (GRCh38, 1-based): chr6:7,580,483, A>T. VCF-style: chr6-7580483-A-T. GRCh37 (hg19) VCF-style: chr6-7580716-A-T.
Other names: c.4050+243A>T (NM_001319034.2); c.3582+711A>T (NM_001008844.3); short protein forms Q1431H.
Identifiers: ClinVar variation 1720460 (VCV001720460.6), dbSNP rs1410189405, ClinGen allele CA362685985.

ClinVar aggregate classification (germline): Uncertain significance (1 of 4 stars; one submission).

Conditions:
Arrhythmogenic cardiomyopathy with wooly hair and keratoderma. Also called: Carvajal syndrome; Dilated cardiomyopathy with woolly hair and keratoderma; Arrhythmogenic cardiomyopathy with woolly hair and keratoderma; PALMOPLANTAR KERATODERMA WITH LEFT VENTRICULAR CARDIOMYOPATHY AND WOOLLY HAIR. Identifiers: Orphanet 65282, MedGen C1854063, MONDO:0011581, OMIM 605676.
Arrhythmogenic right ventricular dysplasia 8 (ARVD8). Also called: ARRHYTHMOGENIC RIGHT VENTRICULAR DYSPLASIA, FAMILIAL, 8; ARRHYTHMOGENIC RIGHT VENTRICULAR CARDIOMYOPATHY 8; Arrhythmogenic Right Ventricular Dysplasia/Cardiomyopathy 8. Identifiers: MedGen C1843896, MONDO:0011831, OMIM 607450.

Submission:

Labcorp Genetics (formerly Invitae), Labcorp
Classification: Uncertain significance for Arrhythmogenic cardiomyopathy with wooly hair and keratoderma; Arrhythmogenic right ventricular dysplasia 8. Last evaluated: 2022-07-14. Review status: criteria provided, single submitter. Criteria: Invitae Variant Classification Sherloc (09022015). Collection method: clinical testing. Allele origin: germline.
Comment: In summary, the available evidence is currently insufficient to determine the role of this variant in disease. Therefore, it has been classified as a Variant of Uncertain Significance. Algorithms developed to predict the effect of missense changes on protein structure and function are either unavailable or do not agree on the potential impact of this missense change (SIFT: "Tolerated"; PolyPhen-2: "Probably Damaging"; Align-GVGD: "Class C0"). This variant has not been reported in the literature in individuals affected with DSP-related conditions. This variant is not present in population databases (gnomAD no frequency). This sequence change replaces glutamine, which is neutral and polar, with histidine, which is basic and polar, at codon 1431 of the DSP protein (p.Gln1431His).